The following is an entry in ClinVar:

NC_000010.10:g.(?_67862905)_(68535292_?)del

Gene: CTNNA3 (catenin alpha 3; minus strand). Cytogenetic location: 10q21.3.
Variant type: Deletion.
Identifiers: ClinVar variation 1024930 (VCV001024930.5).

ClinVar aggregate classification (germline): Uncertain significance (1 of 4 stars; one submission).

Conditions:
Arrhythmogenic right ventricular dysplasia 13. Also called: Arrhythmogenic right ventricular dysplasia, familial, 13; ARRHYTHMOGENIC RIGHT VENTRICULAR CARDIOMYOPATHY 13. Identifiers: MedGen C3810138, MONDO:0000908, OMIM 615616.

Submission:

Labcorp Genetics (formerly Invitae), Labcorp
Classification: Uncertain significance for Arrhythmogenic right ventricular dysplasia 13. Last evaluated: 2020-04-06. Review status: criteria provided, single submitter. Criteria: Invitae Variant Classification Sherloc (09022015). Collection method: clinical testing. Allele origin: germline.
Comment: This variant has not been reported in the literature in individuals with CTNNA3-related conditions. In summary, the available evidence is currently insufficient to determine the role of this variant in disease. Therefore, it has been classified as a Variant of Uncertain Significance. Experimental studies and prediction algorithms are not available or were not evaluated, and the functional significance of this variant is currently unknown. This variant is an in-frame deletion of the genomic region encompassing exon(s) 8-14 of the CTNNA3 gene. It preserves the integrity of the reading frame.